The following is an entry in ClinVar:

ClinVar aggregate classification (germline): Uncertain significance. Review status: criteria provided, multiple submitters, no conflicts (2 of 4 stars). 4 submissions from 4 submitters: Uncertain significance (4). Last evaluated 2024-09-10.

Conditions:
Autosomal recessive limb-girdle muscular dystrophy type 2P. Also called: MUSCULAR DYSTROPHY, LIMB-GIRDLE, TYPE 2P; MUSCULAR DYSTROPHY-DYSTROGLYCANOPATHY, LIMB-GIRDLE, DAG1-RELATED; Limb-Girdle Muscular Dystrophy Type 9C. Identifiers: Orphanet 280333, MedGen C4511963, MONDO:0013440, OMIM 613818.
Muscular dystrophy-dystroglycanopathy (congenital with brain and eye anomalies), type A9. Also called: WALKER-WARBURG SYNDROME OR MUSCLE-EYE BRAIN DISEASE, DAG1-RELATED; Muscular dystrophy-dystroglycanopathy (congenital with brain and eye anomalies), type a, 9. Identifiers: Orphanet 370997, Orphanet 899, MedGen C4225291, MONDO:0014683, OMIM 616538.

Allele frequency attached by ClinVar (database versions not stated): ExAC 0.00007; gnomAD exomes 0.00010; gnomAD 0.00014; ESP Exome Variant Server 0.00008; TOPMed 0.00014.
gnomAD v4.1: 134 of 1,613,900 alleles (0.0083%); highest among the groups gnomAD compares: Non-Finnish European, 0.011%; no homozygotes.

Submissions (4):

Revvity Omics, Revvity
Classification: Uncertain significance. Last evaluated: 2024-09-10. Review status: criteria provided, single submitter. Criteria: ACMG Guidelines, 2015. Collection method: clinical testing. Allele origin: germline.

Athena Diagnostics
Classification: Uncertain significance. Last evaluated: 2023-08-30. Review status: criteria provided, single submitter. Criteria: Athena Diagnostics Criteria. Collection method: clinical testing. Allele origin: unknown.
Comment: Available data are insufficient to determine the clinical significance of the variant at this time. The frequency of this variant in the general population is uninformative in assessment of its pathogenicity. Computational tools predict that this variant is damaging.

Labcorp Genetics (formerly Invitae), Labcorp
Classification: Uncertain significance for Autosomal recessive limb-girdle muscular dystrophy type 2P; Muscular dystrophy-dystroglycanopathy (congenital with brain and eye anomalies), type A9. Last evaluated: 2022-10-25. Review status: criteria provided, single submitter. Criteria: Invitae Variant Classification Sherloc (09022015). Collection method: clinical testing. Allele origin: germline.
Comment: This sequence change replaces threonine, which is neutral and polar, with isoleucine, which is neutral and non-polar, at codon 322 of the DAG1 protein (p.Thr322Ile). This variant is present in population databases (rs376602004, gnomAD 0.02%). This variant has not been reported in the literature in individuals affected with DAG1-related conditions. ClinVar contains an entry for this variant (Variation ID: 196383). Advanced modeling of protein sequence and biophysical properties (such as structural, functional, and spatial information, amino acid conservation, physicochemical variation, residue mobility, and thermodynamic stability) performed at Invitae indicates that this missense variant is not expected to disrupt DAG1 protein function. In summary, the available evidence is currently insufficient to determine the role of this variant in disease. Therefore, it has been classified as a Variant of Uncertain Significance.

Eurofins Ntd Llc (ga)
Classification: Uncertain significance. Last evaluated: 2018-01-31. Review status: criteria provided, single submitter. Criteria: EGL Classification Definitions 2015. Collection method: clinical testing. Allele origin: germline. Observed: 3 variant alleles, 3 heterozygotes.

NM_004393.6(DAG1):c.965C>T (p.Thr322Ile)

Gene: DAG1 (dystroglycan 1; plus strand). Cytogenetic location: 3p21.31.
Variant type: single nucleotide variant.
Coding change: c.965C>T on transcript NM_004393.6 (MANE Select); coding-DNA position 965, C replaced by T.
Protein change: p.Thr322Ile; replaces threonine 322 with isoleucine.
Molecular consequence: missense variant.
Genome position (GRCh38, 1-based): chr3:49,531,476, C>T. VCF-style: chr3-49531476-C-T. GRCh37 (hg19) VCF-style: chr3-49568909-C-T.
Other names: c.965C>T (NM_004393.4); c.965C>T, p.Thr322Ile (NM_001165928.4, NM_001177634.3, NM_001177635.3 and 9 more transcripts); short protein forms T322I.
Identifiers: ClinVar variation 196383 (VCV000196383.13), dbSNP rs376602004, ClinGen allele CA243309.